The following is an entry in ClinVar:

NM_000322.5(PRPH2):c.828+1G>A

Gene: PRPH2 (peripherin 2; minus strand). Cytogenetic location: 6p21.1.
Variant type: single nucleotide variant.
Coding change: c.828+1G>A on transcript NM_000322.5 (MANE Select); the canonical splice donor site of the intron after coding-DNA position 828, G replaced by A.
Molecular consequence: splice donor variant.
Genome position (GRCh38, 1-based): chr6:42,704,364, C>T on the plus strand (G>A on the coding strand, the complement: PRPH2 is on the minus strand). VCF-style: chr6-42704364-C-T. GRCh37 (hg19) VCF-style: chr6-42672102-C-T.
Identifiers: ClinVar variation 961049 (VCV000961049.12), dbSNP rs1800108516, ClinGen allele CA364134538.
Genomic context (GRCh38, chr6:42,704,364, plus strand): 5'-TAGACCCAAATGGGACCGGAGGCTCTCCTTACCCTCTACCCCCAGCTGGCCCAGGGCCTA[C>T]CTCGAAGAGCCAAATGAGGAGCGTGACGACACCCATGGAGTTCATGAGGCTGCTGTAGTA-3'

ClinVar aggregate classification (germline): Pathogenic. Review status: criteria provided, multiple submitters, no conflicts (2 of 4 stars). 3 submissions from 3 submitters: Pathogenic (2). 1 of the submissions does not count toward it. Last evaluated 2025-07-22.

Conditions:
PRPH2-related disorder. Also called: PRPH2-related condition; PRPH2-related disorders. Identifiers: MedGen CN239395.

Submissions (3):

Labcorp Genetics (formerly Invitae), Labcorp
Classification: Pathogenic for PRPH2-related disorder. Last evaluated: 2025-07-22. Review status: criteria provided, single submitter. Criteria: Invitae Variant Classification Sherloc (09022015). Collection method: clinical testing. Allele origin: germline.
Comment: This sequence change affects a donor splice site in intron 2 of the PRPH2 gene. While this variant is not anticipated to result in nonsense mediated decay, it likely alters RNA splicing and results in a disrupted protein product. This variant is not present in population databases (gnomAD no frequency). This variant has not been reported in the literature in individuals affected with PRPH2-related conditions. ClinVar contains an entry for this variant (Variation ID: 961049). Variants that disrupt the consensus splice site are a relatively common cause of aberrant splicing (PMID: 17576681, 9536098). Algorithms developed to predict the effect of sequence changes on RNA splicing suggest that this variant may disrupt the consensus splice site. This variant disrupts a region of the PRPH2 protein in which other variant(s) (p.Leu307Argfs*17) have been determined to be pathogenic (PMID: 8019570, 22183351). This suggests that this is a clinically significant region of the protein, and that variants that disrupt it are likely to be disease-causing. For these reasons, this variant has been classified as Pathogenic.

Blueprint Genetics
Classification: Pathogenic for PRPH2-related disorders. Last evaluated: 2021-12-03. Review status: criteria provided, single submitter. Criteria: ACMG Guidelines, 2015. Collection method: clinical testing. Allele origin: germline. Affected: yes. Observed: 1 variant allele.

Leiden Open Variation Database
Classification: Pathogenic. Last evaluated: 2021-04-06. Review status: no assertion criteria provided. Collection method: curation. Allele origin: germline. Affected: yes. Not counted in ClinVar's aggregate classification.
Comment: Curator: Global Variome, with Curator vacancy. Submitter to LOVD: Manon Peeters.

Literature cited by the submitters: PubMed 17576681 (cited by Labcorp Genetics (formerly Invitae), Labcorp); PubMed 9536098 (cited by Labcorp Genetics (formerly Invitae), Labcorp); PubMed 8019570 (cited by Labcorp Genetics (formerly Invitae), Labcorp); PubMed 22183351 (cited by Labcorp Genetics (formerly Invitae), Labcorp).